The following is an entry in ClinVar:

NM_001042681.2(RERE):c.4189G>A (p.Ala1397Thr)

Gene: RERE (arginine-glutamic acid dipeptide repeats; minus strand). Cytogenetic location: 1p36.23.
Variant type: single nucleotide variant.
Coding change: c.4189G>A on transcript NM_001042681.2 (MANE Select); coding-DNA position 4189, G replaced by A.
Protein change: p.Ala1397Thr; replaces alanine 1397 with threonine.
Molecular consequence: missense variant.
Genome position (GRCh38, 1-based): chr1:8,358,346, C>T on the plus strand (G>A on the coding strand, the complement: RERE is on the minus strand). VCF-style: chr1-8358346-C-T. GRCh37 (hg19) VCF-style: chr1-8418406-C-T.
Other names: c.2527G>A, p.Ala843Thr (NM_001042682.2); c.4189G>A, p.Ala1397Thr (NM_012102.4); short protein forms A1397T, A843T.
Identifiers: ClinVar variation 2430841 (VCV002430841.2), dbSNP rs1481358827, ClinGen allele CA338169027.

ClinVar aggregate classification (germline): Uncertain significance (1 of 4 stars; one submission).

Allele frequency attached by ClinVar (database versions not stated): TOPMed below 0.00001.
gnomAD v4.1: 5 of 1,613,050 alleles (0.00031%); highest among the groups gnomAD compares: South Asian, 0.0011%; no homozygotes.

Submission:

GeneDx
Classification: Uncertain significance. Last evaluated: 2024-12-16. Review status: criteria provided, single submitter. Criteria: GeneDx Variant Classification Process June 2021. Collection method: clinical testing. Allele origin: germline.
Comment: Not observed at significant frequency in large population cohorts (gnomAD); In silico analysis supports that this missense variant does not alter protein structure/function; Has not been previously published as pathogenic or benign to our knowledge